The following is an entry in ClinVar:

NM_000091.5(COL4A3):c.303_324+18del

Genes: COL4A3 (collagen type IV alpha 3 chain; plus strand), MFF-DT (MFF divergent transcript; minus strand). Cytogenetic location: 2q36.3.
Variant type: Deletion.
Coding change: c.303_324+18del on transcript NM_000091.5 (MANE Select); coding-DNA position 303 through 18 bases into the intron after coding-DNA position 324, 40 bases deleted.
Molecular consequence: splice donor variant.
Genome position (GRCh38, 1-based): chr2:227,244,974-227,245,013, 40 bases deleted; deleting any 40 consecutive bases within chr2:227,244,973-227,245,013 gives the same sequence; the c. name uses the placement nearest the transcript's 3' end. GRCh37 (hg19): chr2:228,109,690-228,109,729.
Identifiers: ClinVar variation 3383219 (VCV003383219.1).

ClinVar aggregate classification (germline): Likely pathogenic (1 of 4 stars; one submission).

Conditions:
Autosomal dominant Alport syndrome (ATS3A). Also called: Alport syndrome dominant type; Renal failure and sensorineural hearing loss; ALPORT SYNDROME 3A, AUTOSOMAL DOMINANT. Identifiers: Orphanet 63, Orphanet 88918, MedGen C5882663, MONDO:0007086, OMIM 104200.

Submission:

MVZ Medizinische Genetik Mainz
Classification: Likely pathogenic for Autosomal dominant Alport syndrome. Last evaluated: 2024-11-04. Review status: criteria provided, single submitter. Criteria: UK Practice Guidelines For Variant Classification V4 01 2020. Collection method: clinical testing. Allele origin: germline. Inheritance: Autosomal dominant inheritance. Affected: yes. Observed: 1 variant allele.
Comment: ACMG Criteria: PVS1,PM2_SUP